The following is an entry in ClinVar:

ClinVar aggregate classification (germline): Uncertain significance (1 of 4 stars; one submission).

Conditions:
Joubert syndrome 23 (JBTS23). Identifiers: Orphanet 475, MedGen C4084822, MONDO:0014664, OMIM 616490.
Short-rib thoracic dysplasia 14 with polydactyly (SRTD14). Identifiers: Orphanet 397715, MedGen C4225286, MONDO:0014688, OMIM 616546.

Allele frequency attached by ClinVar (database versions not stated): TOPMed below 0.00001; gnomAD 0.00001.

Submission:

Labcorp Genetics (formerly Invitae), Labcorp
Classification: Uncertain significance for Joubert syndrome 23; Short-rib thoracic dysplasia 14 with polydactyly. Last evaluated: 2022-02-08. Review status: criteria provided, single submitter. Criteria: Invitae Variant Classification Sherloc (09022015). Collection method: clinical testing. Allele origin: germline.
Comment: This sequence change falls in intron 11 of the KIAA0586 gene. It does not directly change the encoded amino acid sequence of the KIAA0586 protein. It affects a nucleotide within the consensus splice site. This variant is not present in population databases (gnomAD no frequency). This variant has not been reported in the literature in individuals affected with KIAA0586-related conditions. Variants that disrupt the consensus splice site are a relatively common cause of aberrant splicing (PMID: 17576681, 9536098). Algorithms developed to predict the effect of sequence changes on RNA splicing suggest that this variant may disrupt the consensus splice site. In summary, the available evidence is currently insufficient to determine the role of this variant in disease. Therefore, it has been classified as a Variant of Uncertain Significance.

Literature cited by the submitters: PubMed 17576681; PubMed 9536098.

NM_001329943.3(KIAA0586):c.1253+4A>G

Gene: KIAA0586 (KIAA0586; plus strand). Cytogenetic location: 14q23.1.
Variant type: single nucleotide variant.
Coding change: c.1253+4A>G on transcript NM_001329943.3 (MANE Select); 4 bases into the intron after coding-DNA position 1253, A replaced by G.
Molecular consequence: intron variant.
Genome position (GRCh38, 1-based): chr14:58,453,477, A>G. VCF-style: chr14-58453477-A-G. GRCh37 (hg19) VCF-style: chr14-58920195-A-G.
Other names: c.1412+4A>G (NM_001244189.2); c.1208+4A>G (NM_001244190.2); c.1121+4A>G (NM_001244192.2); c.998+4A>G (NM_001244191.2, NM_001364701.2, NM_001329945.2 and 1 more transcripts); c.1253+4A>G (NM_001329944.2, NM_001329946.2, NM_001329947.2 and 1 more transcripts); c.833+4A>G (NM_001244193.2).
Identifiers: ClinVar variation 1424629 (VCV001424629.6), dbSNP rs1182604650, ClinGen allele CA707259326.